The following is an entry in ClinVar:

NM_006206.6(PDGFRA):c.1525G>A (p.Ala509Thr)

Gene: PDGFRA (platelet derived growth factor receptor alpha; plus strand). Cytogenetic location: 4q12.
Variant type: single nucleotide variant.
Coding change: c.1525G>A on transcript NM_006206.6 (MANE Select); coding-DNA position 1525, G replaced by A.
Protein change: p.Ala509Thr; replaces alanine 509 with threonine.
Molecular consequence: missense variant.
Genome position (GRCh38, 1-based): chr4:54,273,697, G>A. VCF-style: chr4-54273697-G-A. GRCh37 (hg19) VCF-style: chr4-55139864-G-A.
Other names: c.1525G>A, p.Ala509Thr (NM_001347827.2, NM_001347829.2); c.1600G>A, p.Ala534Thr (NM_001347828.2); c.1564G>A, p.Ala522Thr (NM_001347830.2); short protein forms A522T, A534T, A509T.
Identifiers: ClinVar variation 3305472 (VCV003305472.3).

ClinVar aggregate classification (germline): Uncertain significance. Review status: criteria provided, multiple submitters, no conflicts (2 of 4 stars). 2 submissions from 2 submitters: Uncertain significance (2). Last evaluated 2025-01-21.

Conditions:
Hereditary cancer-predisposing syndrome. Also called: Neoplastic Syndromes, Hereditary; Tumor predisposition; Hereditary Cancer Syndrome; Hereditary neoplastic syndrome. Identifiers: Orphanet 140162, MedGen C0027672, MeSH D009386, MONDO:0015356.
Gastrointestinal stromal tumor. Also called: Gastrointestinal stromal tumor, somatic; Gastrointestinal stroma tumor. Identifiers: Orphanet 44890, MedGen C0238198, MeSH D046152, MONDO:0011719, OMIM 606764, HP:0100723.

Submissions (2):

Labcorp Genetics (formerly Invitae), Labcorp
Classification: Uncertain significance for Gastrointestinal stromal tumor. Last evaluated: 2025-01-21. Review status: criteria provided, single submitter. Criteria: Invitae Variant Classification Sherloc (09022015). Collection method: clinical testing. Allele origin: germline.
Comment: This sequence change replaces alanine, which is neutral and non-polar, with threonine, which is neutral and polar, at codon 509 of the PDGFRA protein (p.Ala509Thr). This variant is not present in population databases (gnomAD no frequency). This variant has not been reported in the literature in individuals affected with PDGFRA-related conditions. Invitae Evidence Modeling of protein sequence and biophysical properties (such as structural, functional, and spatial information, amino acid conservation, physicochemical variation, residue mobility, and thermodynamic stability) indicates that this missense variant is not expected to disrupt PDGFRA protein function with a negative predictive value of 80%. In summary, the available evidence is currently insufficient to determine the role of this variant in disease. Therefore, it has been classified as a Variant of Uncertain Significance.

Ambry Genetics
Classification: Uncertain significance for Hereditary cancer-predisposing syndrome. Last evaluated: 2024-04-10. Review status: criteria provided, single submitter. Criteria: Ambry Variant Classification Scheme 2023. Collection method: clinical testing. Allele origin: germline.
Comment: The p.A509T variant (also known as c.1525G>A), located in coding exon 9 of the PDGFRA gene, results from a G to A substitution at nucleotide position 1525. The alanine at codon 509 is replaced by threonine, an amino acid with similar properties. This amino acid position is conserved. In addition, this alteration is predicted to be tolerated by in silico analysis. Based on the available evidence, the clinical significance of this variant remains unclear.